The following is an entry in ClinVar:

NM_006231.4(POLE):c.170G>C (p.Gly57Ala)

Gene: POLE (DNA polymerase epsilon, catalytic subunit; minus strand). Cytogenetic location: 12q24.33.
Variant type: single nucleotide variant.
Coding change: c.170G>C on transcript NM_006231.4 (MANE Select); coding-DNA position 170, G replaced by C.
Protein change: p.Gly57Ala; replaces glycine 57 with alanine.
Molecular consequence: missense variant.
Genome position (GRCh38, 1-based): chr12:132,681,172, C>G on the plus strand (G>C on the coding strand, the complement: POLE is on the minus strand). VCF-style: chr12-132681172-C-G. GRCh37 (hg19) VCF-style: chr12-133257758-C-G.
Other names: short protein forms G57A.
Identifiers: ClinVar variation 5027096 (VCV005027096.1).

ClinVar aggregate classification (germline): Uncertain significance (1 of 4 stars; one submission).

Conditions:
Hereditary cancer-predisposing syndrome. Also called: Neoplastic Syndromes, Hereditary; Tumor predisposition; Hereditary neoplastic syndrome; Hereditary Cancer Syndrome. Identifiers: Orphanet 140162, MedGen C0027672, MeSH D009386, MONDO:0015356.

Submission:

Ambry Genetics
Classification: Uncertain significance for Hereditary cancer-predisposing syndrome. Last evaluated: 2026-07-27. Review status: criteria provided, single submitter. Criteria: Ambry Variant Classification Scheme 2023. Collection method: clinical testing. Allele origin: germline.
Comment: The p.G57A variant (also known as c.170G>C), located in coding exon 2 of the POLE gene, results from a G to C substitution at nucleotide position 170. The glycine at codon 57 is replaced by alanine, an amino acid with similar properties. This amino acid position is conserved. In addition, this alteration is predicted to be tolerated by in silico analysis. Based on the available evidence, the clinical significance of this variant remains unclear.